The following is an entry in ClinVar:

NM_022489.4(INF2):c.667G>A (p.Gly223Arg)

Gene: INF2 (inverted formin 2; plus strand). Cytogenetic location: 14q32.33.
Variant type: single nucleotide variant.
Coding change: c.667G>A on transcript NM_022489.4 (MANE Select); coding-DNA position 667, G replaced by A.
Protein change: p.Gly223Arg; replaces glycine 223 with arginine.
Molecular consequence: missense variant.
Genome position (GRCh38, 1-based): chr14:104,703,454, G>A. VCF-style: chr14-104703454-G-A. GRCh37 (hg19) VCF-style: chr14-105169791-G-A.
Other names: c.667G>A, p.Gly223Arg (NM_001031714.4, NM_032714.3); short protein forms G223R.
Identifiers: ClinVar variation 1355417 (VCV001355417.7), dbSNP rs1209201341, ClinGen allele CA391213486.
Genomic context (GRCh38, chr14:104,703,454, plus strand): 5'-GCCGTCATCTTGGGCCCCGAGGACCTGCGCGCGCGCACCCAGCTGCGGAACGAGTTTATC[G>A]GTAAGCACCTGCCCTGGGCCGCATGCCCGCTCCTGCCCGCCTCTTGGCCAGTGCATCCCA-3'
Protein context (NP_071934.3, residues 213-233): ARTQLRNEFI[Gly223Arg]LQLLDVLARL

ClinVar aggregate classification (germline): Uncertain significance. Review status: criteria provided, multiple submitters, no conflicts (2 of 4 stars). 2 submissions from 2 submitters: Uncertain significance (2). Last evaluated 2025-07-21.

Conditions:
Focal segmental glomerulosclerosis 5 (FSGS5). Identifiers: Orphanet 656, MedGen C2750475, MONDO:0013191, OMIM 613237.
Charcot-Marie-Tooth disease dominant intermediate E. Also called: CHARCOT-MARIE-TOOTH NEUROPATHY WITH FOCAL SEGMENTAL GLOMERULONEPHRITIS. Identifiers: Orphanet 93114, MedGen C4302667, MONDO:0013758, OMIM 614455.

Allele frequency attached by ClinVar (database versions not stated): gnomAD exomes below 0.00001; gnomAD 0.00001.
gnomAD v4.1: 5 of 1,611,558 alleles (0.00031%); highest among the groups gnomAD compares: African/African-American, 0.0013%; no homozygotes.

Submissions (2):

Labcorp Genetics (formerly Invitae), Labcorp
Classification: Uncertain significance for Charcot-Marie-Tooth disease dominant intermediate E; Focal segmental glomerulosclerosis 5. Last evaluated: 2025-07-21. Review status: criteria provided, single submitter. Criteria: Invitae Variant Classification Sherloc (09022015). Collection method: clinical testing. Allele origin: germline.
Comment: This sequence change replaces glycine, which is neutral and non-polar, with arginine, which is basic and polar, at codon 223 of the INF2 protein (p.Gly223Arg). This variant also falls at the last nucleotide of exon 4, which is part of the consensus splice site for this exon. This variant is present in population databases (no rsID available, gnomAD 0.004%). This variant has not been reported in the literature in individuals affected with INF2-related conditions. ClinVar contains an entry for this variant (Variation ID: 1355417). An algorithm developed to predict the effect of missense changes on protein structure and function (PolyPhen-2) suggests that this variant is likely to be disruptive. Variants that disrupt the consensus splice site are a relatively common cause of aberrant splicing (PMID: 17576681, 9536098). In summary, the available evidence is currently insufficient to determine the role of this variant in disease. Therefore, it has been classified as a Variant of Uncertain Significance.

Fulgent Genetics
Classification: Uncertain significance for Focal segmental glomerulosclerosis 5; Charcot-Marie-Tooth disease dominant intermediate E. Last evaluated: 2022-04-25. Review status: criteria provided, single submitter. Criteria: ACMG Guidelines, 2015. Collection method: clinical testing. Allele origin: unknown.

Literature cited by the submitters: PubMed 17576681 (cited by Labcorp Genetics (formerly Invitae), Labcorp); PubMed 9536098 (cited by Labcorp Genetics (formerly Invitae), Labcorp).